The following is an entry in ClinVar:

ClinVar aggregate classification (germline): Benign. Review status: reviewed by expert panel (3 of 4 stars). 14 submissions from 14 submitters: Benign (1). 13 of the submissions do not count toward it. Last evaluated 2023-08-10.

Conditions:
CDH1-related disorder. Also called: CDH1-related condition.
CDH1-related diffuse gastric and lobular breast cancer syndrome. Also called: CDH1-related diffuse gastric and lobular breast cancer. Identifiers: MedGen CN311521, MONDO:0100488.
Hereditary cancer-predisposing syndrome. Also called: Hereditary neoplastic syndrome; Tumor predisposition; Neoplastic Syndromes, Hereditary; Hereditary Cancer Syndrome. Identifiers: Orphanet 140162, MedGen C0027672, MeSH D009386, MONDO:0015356.
Hereditary diffuse gastric adenocarcinoma (HDGC). Also called: DIFFUSE GASTRIC AND LOBULAR BREAST CANCER SYNDROME. Identifiers: Orphanet 26106, MedGen C1708349, MONDO:0007648, OMIM 137215.

Allele frequency attached by ClinVar (database versions not stated): gnomAD 0.00002; TOPMed 0.00002; gnomAD exomes 0.00004 and 0.00007; ExAC 0.00006.
gnomAD v4.1: 62 of 1,613,930 alleles (0.0038%); highest among the groups gnomAD compares: Middle Eastern, 0.18%; 1 homozygote.

Submissions (14):

Clingen Gastric Cancer Variant Curation Expert Panel
Classification: Benign for CDH1-related diffuse gastric and lobular breast cancer syndrome. Last evaluated: 2023-08-10. Review status: reviewed by expert panel. Criteria: ClinGen CDH1 ACMG Specifications V3.1. Collection method: curation. Allele origin: germline. Inheritance: Autosomal dominant inheritance.
Comment: The c.188G>A (p.Arg63Gln) variant has an allele frequency of 0.00109 (0.11%, 6/5486 alleles) in the Other subpopulation of the gnomAD cohort (BS1). This variant has also been observed in >10 without a diagnosis of diffuse gastric cancer, signet ring tumor or lobular breast cancer and whose family histories do not suggest HDGC (BS2; internal laboratory contributors). In summary, this variant meets criteria to be classified as benign. ACMG/AMP criteria applied, as specified by the CDH1 Variant Curation Expert Panel (Variant Interpretation Guidelines Version 3.1): BS1, BS2.

Labcorp Genetics (formerly Invitae), Labcorp
Classification: Benign for Hereditary diffuse gastric adenocarcinoma. Last evaluated: 2026-01-06. Review status: criteria provided, single submitter. Criteria: Invitae Variant Classification Sherloc (09022015). Collection method: clinical testing. Allele origin: germline. Not counted in ClinVar's aggregate classification.

Women's Health and Genetics/Laboratory Corporation of America, LabCorp
Classification: Likely benign. Last evaluated: 2025-03-31. Review status: criteria provided, single submitter. Criteria: LabCorp Variant Classification Summary - May 2015. Collection method: clinical testing. Allele origin: germline. Not counted in ClinVar's aggregate classification.
Comment: Variant summary: CDH1 c.188G>A (p.Arg63Gln) results in a conservative amino acid change in the encoded protein sequence. Five of five in-silico tools predict a benign effect of the variant on protein function. The variant allele was found at a frequency of 6.8e-05 in 251434 control chromosomes. The observed variant frequency is approximately 2 fold of the estimated maximal expected allele frequency for a pathogenic variant in CDH1 causing Hereditary Diffuse Gastric Cancer phenotype (2.8e-05). To our knowledge, no occurrence of c.188G>A in individuals affected with Hereditary Diffuse Gastric Cancer and no experimental evidence demonstrating its impact on protein function have been reported. ClinVar contains an entry for this variant (Variation ID: 127919). Based on the evidence outlined above, the variant was classified as likely benign.

Blueprint Genetics
Classification: Likely benign. Last evaluated: 2024-10-04. Review status: criteria provided, single submitter. Criteria: ACMG Guidelines, 2015. Collection method: clinical testing. Allele origin: germline. Not counted in ClinVar's aggregate classification.

Color Diagnostics, LLC DBA Color Health
Classification: Likely benign for Hereditary cancer-predisposing syndrome. Last evaluated: 2024-09-25. Review status: criteria provided, single submitter. Criteria: ACMG Guidelines, 2015. Collection method: clinical testing. Allele origin: germline. Not counted in ClinVar's aggregate classification.

Myriad Genetics, Inc.
Classification: Likely benign for Hereditary diffuse gastric adenocarcinoma. Last evaluated: 2024-09-12. Review status: criteria provided, single submitter. Criteria: Myriad Autosomal Dominant, Autosomal Recessive and X-Linked Classification Criteria (2023). Collection method: clinical testing. Allele origin: unknown. Not counted in ClinVar's aggregate classification.
Comment: This variant is considered likely benign. Homozygosity has been confirmed in one or more individuals. As homozygosity for pathogenic variants in this gene is generally assumed to result in embryonic lethality, this variant is unlikely to be pathogenic.

Institute of Human Genetics, University of Leipzig Medical Center
Classification: Likely benign for Hereditary diffuse gastric adenocarcinoma. Last evaluated: 2023-02-22. Review status: criteria provided, single submitter. Criteria: ACMG Guidelines, 2015. Collection method: clinical testing. Allele origin: unknown. Affected: yes. Not counted in ClinVar's aggregate classification.
Comment: _x000D_ Criteria applied: BS1, BP4

Genetic Services Laboratory, University of Chicago
Classification: Likely benign. Last evaluated: 2021-11-23. Review status: criteria provided, single submitter. Criteria: ACMG Guidelines, 2015. Collection method: clinical testing. Allele origin: germline. Affected: no. Not counted in ClinVar's aggregate classification.

Institute for Clinical Genetics, University Hospital TU Dresden, University Hospital TU Dresden
Classification: Uncertain significance. Last evaluated: 2021-11-03. Review status: criteria provided, single submitter. Criteria: ACMG Guidelines, 2015. Collection method: clinical testing. Allele origin: germline. Not counted in ClinVar's aggregate classification.

Sema4
Classification: Benign for Hereditary cancer-predisposing syndrome. Last evaluated: 2021-09-18. Review status: criteria provided, single submitter. Criteria: Sema4 Curation Guidelines. Collection method: curation. Allele origin: germline. Not counted in ClinVar's aggregate classification.

GeneDx
Classification: Likely benign. Last evaluated: 2020-12-08. Review status: criteria provided, single submitter. Criteria: GeneDx Variant Classification Process June 2021. Collection method: clinical testing. Allele origin: germline. Affected: yes. Not counted in ClinVar's aggregate classification.

Ambry Genetics
Classification: Benign for Hereditary cancer-predisposing syndrome. Last evaluated: 2018-05-18. Review status: criteria provided, single submitter. Criteria: Ambry Variant Classification Scheme 2023. Collection method: clinical testing. Allele origin: germline. Not counted in ClinVar's aggregate classification.

PreventionGenetics, part of Exact Sciences
Classification: Likely benign for CDH1-related condition. Last evaluated: 2021-02-23. Review status: no assertion criteria provided. Collection method: clinical testing. Allele origin: germline. Not counted in ClinVar's aggregate classification.
Comment: This variant is classified as likely benign based on ACMG/AMP sequence variant interpretation guidelines (Richards et al. 2015 PMID: 25741868, with internal and published modifications).

Department of Pathology and Laboratory Medicine, Sinai Health System
Classification: Uncertain significance for Hereditary diffuse gastric adenocarcinoma. Review status: no assertion criteria provided. Collection method: clinical testing. Allele origin: unknown. Affected: yes. Study: The Canadian Open Genetics Repository (COGR). Not counted in ClinVar's aggregate classification.
Comment: The CDH1 p.Arg63Gln variant was not identified in the literature nor was it identified in the Cosmic, MutDB, or in the Zhejiang University database. The variant was identified in dbSNP (ID: rs587780117) as "With Uncertain significance allele", and in ClinVar (classified as uncertain significance by GeneDx, Ambry Geneitcs, Invitae). The variant was identified in control databases in 17 of 246200 chromosomes at a frequency of 0.00007 (Genome Aggregation Database Feb 27, 2017). The variant was observed in the following populations: African in 1 of 15304 chromosomes (freq: 0.00007), Other in 6 of 5486 chromosomes (freq: 0.001), European in 3 of 111650 chromosomes (freq: 0.00003), and South Asian in 7 of 30782 chromosomes (freq: 0.0002); it was not observed in the Latino, Ashkenazi Jewish, East Asian, and Finnish populations. The p.Arg63 residue is not conserved in mammals and computational analyses (PolyPhen-2, SIFT, AlignGVGD, BLOSUM, MutationTaster) do not suggest a high likelihood of impact to the protein; however, this information is not predictive enough to rule out pathogenicity. The variant occurs outside of the splicing consensus sequence and in silico or computational prediction software programs (SpliceSiteFinder, MaxEntScan, NNSPLICE, GeneSplicer) do not predict a difference in splicing. In summary, based on the above information the clinical significance of this variant cannot be determined with certainty at this time. This variant is classified as a variant of uncertain significance.

NM_004360.5(CDH1):c.188G>A (p.Arg63Gln)

Gene: CDH1 (cadherin 1; plus strand). Cytogenetic location: 16q22.1.
Variant type: single nucleotide variant.
Coding change: c.188G>A on transcript NM_004360.5 (MANE Select); coding-DNA position 188, G replaced by A.
Protein change: p.Arg63Gln; replaces arginine 63 with glutamine.
Molecular consequence: missense variant. On other transcripts: 5 prime UTR variant (2).
Genome position (GRCh38, 1-based): chr16:68,801,694, G>A. VCF-style: chr16-68801694-G-A. GRCh37 (hg19) VCF-style: chr16-68835597-G-A.
Other names: p.R63Q:CGA>CAA; NM_004360.4(CDH1):c.188G>A; c.188G>A (LRG_301t1); c.188G>A, p.Arg63Gln (NM_001317184.2); c.-1428G>A (NM_001317185.2); c.-1632G>A (NM_001317186.2); short protein forms R63Q.
Identifiers: ClinVar variation 127919 (VCV000127919.37), dbSNP rs587780117, ClinGen allele CA288048.